The following is an entry in ClinVar:

ClinVar aggregate classification (germline): Uncertain significance (1 of 4 stars; one submission).

Submission:

GeneDx
Classification: Uncertain significance. Last evaluated: 2023-08-12. Review status: criteria provided, single submitter. Criteria: GeneDx Variant Classification Process June 2021. Collection method: clinical testing. Allele origin: germline. Affected: yes.
Comment: Not observed at significant frequency in large population cohorts (gnomAD); In silico analysis supports that this missense variant has a deleterious effect on protein structure/function; This variant is associated with the following publications: (PMID: 34033782, 33149277)

NM_001037333.3(CYFIP2):c.2588T>C (p.Phe863Ser)

Gene: CYFIP2 (cytoplasmic FMR1 interacting protein 2; plus strand). Cytogenetic location: 5q33.3.
Variant type: single nucleotide variant.
Coding change: c.2588T>C on transcript NM_001037333.3 (MANE Select); coding-DNA position 2588, T replaced by C.
Protein change: p.Phe863Ser; replaces phenylalanine 863 with serine.
Molecular consequence: missense variant.
Genome position (GRCh38, 1-based): chr5:157,341,072, T>C. VCF-style: chr5-157341072-T-C. GRCh37 (hg19) VCF-style: chr5-156768080-T-C.
Other names: c.2510T>C, p.Phe837Ser (NM_001291721.2); c.2663T>C, p.Phe888Ser (NM_001291722.2); c.2588T>C, p.Phe863Ser (NM_014376.4); short protein forms F837S, F863S, F888S.
Identifiers: ClinVar variation 2575703 (VCV002575703.1), dbSNP rs2532488654, ClinGen allele CA361972579.